The following is an entry in ClinVar:

ClinVar aggregate classification (germline): Uncertain significance (1 of 4 stars; one submission).

Conditions:
MATN4-related disorder. Also called: MATN4-related condition.

Submission:

PreventionGenetics, part of Exact Sciences
Classification: Uncertain significance for MATN4-related condition. Last evaluated: 2023-06-27. Review status: criteria provided, single submitter. Criteria: ACMG Guidelines, 2015. Collection method: clinical testing. Allele origin: germline.
Comment: The MATN4 c.985C>T variant is predicted to result in the amino acid substitution p.Leu329Phe. To our knowledge, this variant has not been reported in the literature or in a large population database, indicating this variant is rare. At this time, the clinical significance of this variant is uncertain due to the absence of conclusive functional and genetic evidence.

NM_001393530.1(MATN4):c.985C>T (p.Leu329Phe)

Gene: MATN4 (matrilin 4; minus strand). Cytogenetic location: 20q13.12.
Variant type: single nucleotide variant.
Coding change: c.985C>T on transcript NM_001393530.1 (MANE Select); coding-DNA position 985, C replaced by T.
Protein change: p.Leu329Phe; replaces leucine 329 with phenylalanine.
Molecular consequence: missense variant.
Genome position (GRCh38, 1-based): chr20:45,300,914, G>A on the plus strand (C>T on the coding strand, the complement: MATN4 is on the minus strand). VCF-style: chr20-45300914-G-A. GRCh37 (hg19) VCF-style: chr20-43929554-G-A.
Other names: c.985C>T, p.Leu329Phe (NM_001393531.1, NM_003833.5); c.862C>T, p.Leu288Phe (NM_030590.4); c.739C>T, p.Leu247Phe (NM_030592.4); short protein forms L247F, L288F, L329F.
Identifiers: ClinVar variation 2632500 (VCV002632500.1), dbSNP rs776205024, ClinGen allele CA409153455.